The following is an entry in ClinVar:

NM_022124.6(CDH23):c.3103dup (p.Thr1035fs)

Gene: CDH23 (cadherin related 23; plus strand). Cytogenetic location: 10q22.1.
Variant type: Duplication.
Coding change: c.3103dup on transcript NM_022124.6 (MANE Select); coding-DNA position 3103, one base duplicated (A; older notation c.3103dupA).
Protein change: p.Thr1035fs; shifts the reading frame from threonine 1035.
Molecular consequence: frameshift variant.
Genome position (GRCh38, 1-based): chr10:71,707,046, A duplicated. VCF-style (leftmost placement, unchanged base first): chr10-71707045-C-CA. GRCh37 (hg19) VCF-style: chr10-73466802-C-CA.
Other names: c.3103dup, p.Thr1035fs (NM_001171930.2, NM_001171931.2); short protein forms T1035fs.
Identifiers: ClinVar variation 2846971 (VCV002846971.3), dbSNP rs2494071243, ClinGen allele CA2739275790.

ClinVar aggregate classification (germline): Pathogenic (1 of 4 stars; one submission).

Submission:

Labcorp Genetics (formerly Invitae), Labcorp
Classification: Pathogenic. Last evaluated: 2023-03-18. Review status: criteria provided, single submitter. Criteria: Invitae Variant Classification Sherloc (09022015). Collection method: clinical testing. Allele origin: germline.
Comment: This sequence change creates a premature translational stop signal (p.Thr1035Asnfs*63) in the CDH23 gene. It is expected to result in an absent or disrupted protein product. Loss-of-function variants in CDH23 are known to be pathogenic (PMID: 11138009, 21940737). This variant is not present in population databases (gnomAD no frequency). This variant has not been reported in the literature in individuals affected with CDH23-related conditions. For these reasons, this variant has been classified as Pathogenic.

Literature cited by the submitters: PubMed 11138009; PubMed 21940737.